The following is an entry in ClinVar:

NM_001378778.1(MPDZ):c.5020G>A (p.Gly1674Arg)

Gene: MPDZ (multiple PDZ domain crumbs cell polarity complex component; minus strand). Cytogenetic location: 9p23.
Variant type: single nucleotide variant.
Coding change: c.5020G>A on transcript NM_001378778.1 (MANE Select); coding-DNA position 5020, G replaced by A.
Protein change: p.Gly1674Arg; replaces glycine 1674 with arginine.
Molecular consequence: missense variant.
Genome position (GRCh38, 1-based): chr9:13,122,104, C>T on the plus strand (G>A on the coding strand, the complement: MPDZ is on the minus strand). VCF-style: chr9-13122104-C-T. GRCh37 (hg19) VCF-style: chr9-13122103-C-T.
Other names: c.4921G>A, p.Gly1641Arg (NM_001261406.2, NM_001261407.2, NM_001375416.1 and 3 more transcripts); c.5020G>A, p.Gly1674Arg (NM_001330637.2, NM_003829.5); c.5119G>A, p.Gly1707Arg (NM_001375413.1); c.4810G>A, p.Gly1604Arg (NM_001375420.1, NM_001375421.1, NM_001375422.1 and 4 more transcripts); c.4612G>A, p.Gly1538Arg (NM_001375427.1); short protein forms G1538R, G1604R, G1707R, G1641R, G1674R.
Identifiers: ClinVar variation 1391998 (VCV001391998.8), dbSNP rs2131620636, ClinGen allele CA372944978.
Genomic context (GRCh38, chr9:13,122,104, plus strand): 5'-TTTTCTCTGTTAATTTTGAAGGTCAAAAACAGGCATTCTATACCTCTAAGATCTGATCTC[C>T]AGCCCAGAGTCTTCCATCTTTACATGCTGCTCCTTCTTCATAAACTTCATGGATAATAAT-3'
Protein context (NP_001365707.1, residues 1664-1684): AACKDGRLWA[Gly1674Arg]DQILEVNGID

ClinVar aggregate classification (germline): Uncertain significance (1 of 4 stars; one submission).

Submission:

Labcorp Genetics (formerly Invitae), Labcorp
Classification: Uncertain significance. Last evaluated: 2020-11-23. Review status: criteria provided, single submitter. Criteria: Invitae Variant Classification Sherloc (09022015). Collection method: clinical testing. Allele origin: germline.
Comment: This sequence change replaces glycine with arginine at codon 1674 of the MPDZ protein (p.Gly1674Arg). The glycine residue is highly conserved and there is a moderate physicochemical difference between glycine and arginine. This variant is not present in population databases (ExAC no frequency). This variant has not been reported in the literature in individuals with MPDZ-related conditions. Algorithms developed to predict the effect of missense changes on protein structure and function (SIFT, PolyPhen-2, Align-GVGD) all suggest that this variant is likely to be disruptive, but these predictions have not been confirmed by published functional studies and their clinical significance is uncertain. In summary, the available evidence is currently insufficient to determine the role of this variant in disease. Therefore, it has been classified as a Variant of Uncertain Significance.